The following is an entry in ClinVar:

ClinVar aggregate classification (germline): Uncertain significance (1 of 4 stars; one submission).

Allele frequency attached by ClinVar (database versions not stated): TOPMed below 0.00001.
gnomAD v4.1: 2 of 1,614,208 alleles (0.00012%); highest among the groups gnomAD compares: Non-Finnish European, 0.00017%; no homozygotes.

Submission:

Labcorp Genetics (formerly Invitae), Labcorp
Classification: Uncertain significance. Last evaluated: 2023-11-19. Review status: criteria provided, single submitter. Criteria: Invitae Variant Classification Sherloc (09022015). Collection method: clinical testing. Allele origin: germline.
Comment: This sequence change replaces proline, which is neutral and non-polar, with arginine, which is basic and polar, at codon 287 of the NLRP1 protein (p.Pro287Arg). This variant is not present in population databases (gnomAD no frequency). This variant has not been reported in the literature in individuals affected with NLRP1-related conditions. An algorithm developed to predict the effect of missense changes on protein structure and function (PolyPhen-2) suggests that this variant is likely to be disruptive. In summary, the available evidence is currently insufficient to determine the role of this variant in disease. Therefore, it has been classified as a Variant of Uncertain Significance.

NM_033004.4(NLRP1):c.860C>G (p.Pro287Arg)

Gene: NLRP1 (NLR family pyrin domain containing 1; minus strand). Cytogenetic location: 17p13.2.
Variant type: single nucleotide variant.
Coding change: c.860C>G on transcript NM_033004.4 (MANE Select); coding-DNA position 860, C replaced by G.
Protein change: p.Pro287Arg; replaces proline 287 with arginine.
Molecular consequence: missense variant.
Genome position (GRCh38, 1-based): chr17:5,559,836, G>C on the plus strand (C>G on the coding strand, the complement: NLRP1 is on the minus strand). VCF-style: chr17-5559836-G-C. GRCh37 (hg19) VCF-style: chr17-5463156-G-C.
Other names: c.860C>G, p.Pro287Arg (NM_001033053.3, NM_014922.5, NM_033006.4 and 1 more transcripts); short protein forms P287R.
Identifiers: ClinVar variation 2694922 (VCV002694922.3), dbSNP rs1331142466, ClinGen allele CA397387808.